The following is an entry in ClinVar:

NM_000719.7(CACNA1C):c.5091+3G>A

Genes: CACNA1C (calcium voltage-gated channel subunit alpha1 C; plus strand), CACNA1C-AS1 (CACNA1C antisense RNA 1; minus strand). Cytogenetic location: 12p13.33.
Variant type: single nucleotide variant.
Coding change: c.5091+3G>A on transcript NM_000719.7 (MANE Select); 3 bases into the intron after coding-DNA position 5091, G replaced by A.
Molecular consequence: intron variant. On other transcripts: non-coding transcript variant (1).
Genome position (GRCh38, 1-based): chr12:2,677,870, G>A. VCF-style: chr12-2677870-G-A. GRCh37 (hg19) VCF-style: chr12-2787036-G-A.
Other names: c.5091+3G>A (NM_001167624.3, NM_001167623.2, NM_001129840.2 and 4 more transcripts); c.5058+3G>A (NM_001167625.2, NM_001129846.2); c.5235+3G>A (NM_199460.4, NM_001129827.2); c.5151+3G>A (NM_001129832.2); c.5175+3G>A (NM_001129831.2); c.5148+3G>A (NM_001129833.2, NM_001129834.2, NM_001129835.2); c.5214+3G>A (NM_001129829.2); c.5115+3G>A (NM_001129837.2, NM_001129838.2); and 3 more.
Identifiers: ClinVar variation 666092 (VCV000666092.15), dbSNP rs372915169, ClinGen allele CA6389687.

ClinVar aggregate classification (germline): Conflicting classifications of pathogenicity. Review status: criteria provided, conflicting classifications (1 of 4 stars). 5 submissions from 5 submitters: Uncertain significance (1); Benign (1); Likely benign (2). 1 of the submissions does not count toward it. Last evaluated 2024-12-04.

Conditions:
Cardiovascular phenotype. Identifiers: MedGen CN230736.
Long QT syndrome (LQTS). Identifiers: MedGen C0023976, MeSH D008133, MONDO:0002442. Disease mechanism: loss of function. Inheritance: Various modes of inheritance.
CACNA1C-related disorder. Also called: CACNA1C-related condition; CACNA1C-related disorders. Identifiers: MedGen CN381092, MONDO:0700321.

Allele frequency attached by ClinVar (database versions not stated): ExAC 0.00012; gnomAD 0.00007; TOPMed 0.00007; ESP Exome Variant Server 0.00008; gnomAD exomes 0.00019 and 0.00010.
gnomAD v4.1: 288 of 1,613,792 alleles (0.018%); highest among the groups gnomAD compares: Non-Finnish European, 0.024%; no homozygotes.

Submissions (5):

Labcorp Genetics (formerly Invitae), Labcorp
Classification: Uncertain significance for Long QT syndrome. Last evaluated: 2024-12-04. Review status: criteria provided, single submitter. Criteria: Invitae Variant Classification Sherloc (09022015). Collection method: clinical testing. Allele origin: germline.
Comment: This sequence change falls in intron 41 of the CACNA1C gene. It does not directly change the encoded amino acid sequence of the CACNA1C protein. It affects a nucleotide within the consensus splice site. This variant is present in population databases (rs372915169, gnomAD 0.02%). This variant has not been reported in the literature in individuals affected with CACNA1C-related conditions. ClinVar contains an entry for this variant (Variation ID: 666092). Variants that disrupt the consensus splice site are a relatively common cause of aberrant splicing (PMID: 17576681, 9536098). Algorithms developed to predict the effect of sequence changes on RNA splicing suggest that this variant is not likely to affect RNA splicing. In summary, the available evidence is currently insufficient to determine the role of this variant in disease. Therefore, it has been classified as a Variant of Uncertain Significance.

Blueprint Genetics
Classification: Likely benign. Last evaluated: 2024-06-25. Review status: criteria provided, single submitter. Criteria: ACMG Guidelines, 2015. Collection method: clinical testing. Allele origin: germline.

Ambry Genetics
Classification: Likely benign for Cardiovascular phenotype. Last evaluated: 2019-03-28. Review status: criteria provided, single submitter. Criteria: Ambry Variant Classification Scheme 2023. Collection method: clinical testing. Allele origin: germline.

GeneDx
Classification: Benign. Last evaluated: 2015-03-03. Review status: criteria provided, single submitter. Criteria: GeneDx Variant Classification Process June 2021. Collection method: clinical testing. Allele origin: germline. Affected: yes.

PreventionGenetics, part of Exact Sciences
Classification: Likely benign for CACNA1C-related condition. Last evaluated: 2022-07-28. Review status: no assertion criteria provided. Collection method: clinical testing. Allele origin: germline. Not counted in ClinVar's aggregate classification.
Comment: This variant is classified as likely benign based on ACMG/AMP sequence variant interpretation guidelines (Richards et al. 2015 PMID: 25741868, with internal and published modifications).

Literature cited by the submitters: PubMed 17576681 (cited by Labcorp Genetics (formerly Invitae), Labcorp); PubMed 9536098 (cited by Labcorp Genetics (formerly Invitae), Labcorp).